The following is an entry in ClinVar:

NM_003742.4(ABCB11):c.2343+2T>C

Gene: ABCB11 (ATP binding cassette subfamily B member 11; minus strand). Cytogenetic location: 2q31.1.
Variant type: single nucleotide variant.
Coding change: c.2343+2T>C on transcript NM_003742.4 (MANE Select); the canonical splice donor site of the intron after coding-DNA position 2343, T replaced by C.
Molecular consequence: splice donor variant.
Genome position (GRCh38, 1-based): chr2:168,957,962, A>G on the plus strand (T>C on the coding strand, the complement: ABCB11 is on the minus strand). VCF-style: chr2-168957962-A-G. GRCh37 (hg19) VCF-style: chr2-169814472-A-G.
Identifiers: ClinVar variation 1458300 (VCV001458300.11), dbSNP rs2105934712, ClinGen allele CA349106653.

ClinVar aggregate classification (germline): Pathogenic/Likely pathogenic. Review status: criteria provided, multiple submitters, no conflicts (2 of 4 stars). 4 submissions from 4 submitters: Pathogenic (3); Likely pathogenic (1). Last evaluated 2026-04-14.

Conditions:
Familial intrahepatic cholestasis. Identifiers: Orphanet 284385, MedGen CN296401, MONDO:0017290.
Progressive familial intrahepatic cholestasis type 2. Identifiers: Orphanet 79304, MedGen C3489789, MONDO:0011156, OMIM 601847.

Allele frequency attached by ClinVar (database versions not stated): gnomAD exomes below 0.00001.
gnomAD v4.1: 2 of 1,564,316 alleles (0.00013%); highest among the groups gnomAD compares: African/African-American, 0.0013%; no homozygotes.

Submissions (4):

Genomenon, Inc
Classification: Pathogenic for Familial intrahepatic cholestasis. Last evaluated: 2026-04-14. Review status: criteria provided, single submitter. Criteria: Genomenon Sequence Variant Interpretation Standards - Updated. Collection method: curation. Allele origin: germline. Affected: yes.
Comment: ABCB11 c.2343+2T>C is a canonical splice variant affecting the donor splice site of intron 19. It is predicted to affect mRNA splicing, leading to a deleterious effect on the ABCB11 protein. This variant has been observed in at least one proband with an ABCB11-related disorder (PMID:34961929;16871584). It is absent or not present at a significant frequency in gnomAD. In conclusion, we classify ABCB11 c.2343+2T>C as a pathogenic variant.

Broad Center for Mendelian Genomics, Broad Institute of MIT and Harvard
Classification: Likely pathogenic for Progressive familial intrahepatic cholestasis type 2. Last evaluated: 2025-01-24. Review status: criteria provided, single submitter. Criteria: ACMG Guidelines, 2015. Collection method: curation. Allele origin: germline. Inheritance: Autosomal recessive inheritance.
Comment: The c.2343+2T>C variant in ABCB11 has been reported in 2 individuals with BSEP deficiency (PMID: 16871584, 34961929), and has been identified in 0.001% (1/74162) of African/African American chromosomes by the Genome Aggregation Database (gnomAD; dbSNP rs2105934712). Although this variant has been seen in the general population in a heterozygous state, its frequency is low enough to be consistent with a recessive carrier frequency. This variant has also been reported in ClinVar (Variation ID: 1458300) and has been interpreted as Pathogenic by Invitae. Of the 2 affected individuals, both were homozygotes, which increases the likelihood that the c.2343+2T>C variant is pathogenic (PMID: 16871584, 34961929). This variant is located in the 3' splice region. Computational tools predict a splicing impact, though this information is not predictive enough to determine pathogenicity. This variant is adjacent to an in-frame exon and is more likely to escape nonsense mediated decay (NMD) and result in a truncated protein. Loss of function of the ABCB11 gene is an established disease mechanism in autosomal recessive BSEP deficiency. One additional likely pathogenic variant, predicted to induce the same splicing effect as this variant, have been reported in ClinVar as being associated with disease, supporting that the c.2343+2T>C may be pathogenic (Variation ID: 2680443). In summary, although additional studies are required to fully establish its clinical significance, this variant is likely pathogenic for autosomal recessive BSEP deficiency. ACMG/AMP Criteria applied: PM3, PS1, PVS1_moderate, PM2_supporting (Richards 2015).

Natera, Inc.
Classification: Pathogenic for Progressive familial intrahepatic cholestasis type 2. Last evaluated: 2024-02-24. Review status: criteria provided, single submitter. Criteria: Natera Variant Classification Schema (03/2026). Collection method: clinical testing. Allele origin: germline.
Comment: The c.2343+2T>C variant in ABCB11 is a canonical splice donor site variant predicted to affect pre-mRNA splicing, which may result in an abnormal transcript and altered protein product. This variant is expected to result in nonsense mediated decay, truncation, or a dysfunctional protein product. This variant is rare in the general population with a frequency below the threshold expected for the associated phenotype(s). This variant has been observed in one or more individuals affected with the associated recessive disease, as either homozygous or compound heterozygous with a second variant (PMID: 35884482, 34961929). Another variant at this same site results in an alteration predicted to cause a similar molecular effect has been observed in individual(s) with the associated phenotype. Given the available evidence, this variant is classified as Pathogenic.

Labcorp Genetics (formerly Invitae), Labcorp
Classification: Pathogenic. Last evaluated: 2023-07-18. Review status: criteria provided, single submitter. Criteria: Invitae Variant Classification Sherloc (09022015). Collection method: clinical testing. Allele origin: germline.
Comment: For these reasons, this variant has been classified as Pathogenic. Algorithms developed to predict the effect of sequence changes on RNA splicing suggest that this variant may disrupt the consensus splice site. This sequence change affects a donor splice site in intron 19 of the ABCB11 gene. It is expected to disrupt RNA splicing. Variants that disrupt the donor or acceptor splice site typically lead to a loss of protein function (PMID: 16199547), and loss-of-function variants in ABCB11 are known to be pathogenic (PMID: 18395098, 20232290). This variant is not present in population databases (gnomAD no frequency). Disruption of this splice site has been observed in individuals with clinical features of progressive familial intrahepatic cholestasis (PMID: 16871584, 24991443). ClinVar contains an entry for this variant (Variation ID: 1458300).

Literature cited by the submitters: PubMed 34961929 (cited by Genomenon, Inc and Natera, Inc.); PubMed 16871584 (cited by Genomenon, Inc and Labcorp Genetics (formerly Invitae), Labcorp); PubMed 35884482 (cited by Natera, Inc.); PubMed 16199547 (cited by Labcorp Genetics (formerly Invitae), Labcorp); PubMed 18395098 (cited by Labcorp Genetics (formerly Invitae), Labcorp); PubMed 20232290 (cited by Labcorp Genetics (formerly Invitae), Labcorp); PubMed 24991443 (cited by Labcorp Genetics (formerly Invitae), Labcorp).